The following is an entry in ClinVar:

ClinVar aggregate classification (germline): Uncertain significance (1 of 4 stars; one submission).

Submission:

GeneDx
Classification: Uncertain significance. Last evaluated: 2025-09-10. Review status: criteria provided, single submitter. Criteria: GeneDx Variant Classification Process June 2021. Collection method: clinical testing. Allele origin: germline.
Comment: Not observed at significant frequency in large population cohorts (gnomAD); In silico analysis supports that this missense variant has a deleterious effect on protein structure/function; Has not been previously published as pathogenic or benign to our knowledge

NM_016188.5(ACTL6B):c.64T>C (p.Ser22Pro)

Gene: ACTL6B (actin like 6B; minus strand). Cytogenetic location: 7q22.1.
Variant type: single nucleotide variant.
Coding change: c.64T>C on transcript NM_016188.5 (MANE Select); coding-DNA position 64, T replaced by C.
Protein change: p.Ser22Pro; replaces serine 22 with proline.
Molecular consequence: missense variant. On other transcripts: non-coding transcript variant (1).
Genome position (GRCh38, 1-based): chr7:100,655,841, A>G on the plus strand (T>C on the coding strand, the complement: ACTL6B is on the minus strand). VCF-style: chr7-100655841-A-G. GRCh37 (hg19) VCF-style: chr7-100253464-A-G.
Other names: short protein forms S22P.
Identifiers: ClinVar variation 3366029 (VCV003366029.2).